The following is an entry in ClinVar:

ClinVar aggregate classification (germline): Pathogenic/Likely pathogenic. Review status: criteria provided, multiple submitters, no conflicts (2 of 4 stars). 3 submissions from 3 submitters: Pathogenic (1); Likely pathogenic (2). Last evaluated 2026-08-06.

Conditions:
Adult hypophosphatasia. Identifiers: Orphanet 247676, Orphanet 436, MedGen C0268413, MONDO:1010154, OMIM 146300, MONDO:0007798.
Childhood hypophosphatasia. Identifiers: Orphanet 247667, Orphanet 436, MedGen C0220743, MONDO:1010168, OMIM 241510, MONDO:0009428.
Infantile hypophosphatasia. Identifiers: Orphanet 247651, Orphanet 436, MedGen C0268412, MONDO:1010169, OMIM 241500, MONDO:0009427.
Hypophosphatasia. Also called: Phosphoethanol-aminuria. Identifiers: Orphanet 436, MedGen C0020630, MeSH D007014, MONDO:0018570.

Submissions (3):

Myriad Genetics, Inc.
Classification: Likely pathogenic for Hypophosphatasia. Last evaluated: 2026-08-06. Review status: criteria provided, single submitter. Criteria: Myriad Autosomal Dominant, Autosomal Recessive and X-Linked Classification Criteria (2023). Collection method: clinical testing. Allele origin: unknown.
Comment: NM_000478.4(ALPL):c.1A>G(M1?) is an initiation codon variant classified as likely pathogenic in the context of hypophosphatasia. M1? has not been observed in cases with relevant disease. Relevant functional assessments of this variant are available in the literature (PMID: 21419245). M1? has not been observed in referenced population frequency databases. In summary, NM_000478.4(ALPL):c.1A>G(M1?) is an initiation codon variant that has functional support for pathogenicity and has been observed more frequently in cases with the relevant disease than in healthy populations. Please note: this variant was assessed in the context of healthy population screening.

Fulgent Genetics
Classification: Likely pathogenic for Adult hypophosphatasia; Infantile hypophosphatasia; Childhood hypophosphatasia. Last evaluated: 2024-04-19. Review status: criteria provided, single submitter. Criteria: ACMG Guidelines, 2015. Collection method: clinical testing. Allele origin: germline.

Labcorp Genetics (formerly Invitae), Labcorp
Classification: Pathogenic. Last evaluated: 2021-01-15. Review status: criteria provided, single submitter. Criteria: Invitae Variant Classification Sherloc (09022015). Collection method: clinical testing. Allele origin: germline.
Comment: For these reasons, this variant has been classified as Pathogenic. This variant disrupts the p.Ala33 amino acid residue in ALPL. Other variant(s) that disrupt this residue have been determined to be pathogenic (PMID: 1409720, 15694177, 17253930, 22397652, 25731960). This suggests that this residue is clinically significant, and that variants that disrupt this residue are likely to be disease-causing. Disruption of the initiator codon has been observed in individual(s) with hypophosphatasia (PMID: 21419245). It has also been observed to segregate with disease in related individuals. This variant is not present in population databases (ExAC no frequency). This sequence change affects the initiator methionine of the ALPL mRNA. The next in-frame methionine is located at codon 56.

Literature cited by the submitters: PubMed 21419245 (cited by Myriad Genetics, Inc. and Labcorp Genetics (formerly Invitae), Labcorp); PubMed 1409720 (cited by Labcorp Genetics (formerly Invitae), Labcorp); PubMed 15694177 (cited by Labcorp Genetics (formerly Invitae), Labcorp); PubMed 17253930 (cited by Labcorp Genetics (formerly Invitae), Labcorp); PubMed 22397652 (cited by Labcorp Genetics (formerly Invitae), Labcorp); PubMed 25731960 (cited by Labcorp Genetics (formerly Invitae), Labcorp).

NM_000478.6(ALPL):c.1A>G (p.Met1Val)

Gene: ALPL (alkaline phosphatase, biomineralization associated; plus strand). Cytogenetic location: 1p36.12.
Variant type: single nucleotide variant.
Coding change: c.1A>G on transcript NM_000478.6 (MANE Select); coding-DNA position 1, A replaced by G.
Protein change: p.Met1Val; changes the start codon (methionine 1).
Molecular consequence: missense variant, initiator codon variant. On other transcripts: intron variant (2).
Genome position (GRCh38, 1-based): chr1:21,554,082, A>G. VCF-style: chr1-21554082-A-G. GRCh37 (hg19) VCF-style: chr1-21880575-A-G.
Other names: c.1A>G, p.Met1Val (NM_001369803.2, NM_001369804.2, NM_001369805.2); c.-104-6544A>G (NM_001127501.4); c.-54-6544A>G (NM_001177520.3); short protein forms M1V.
Identifiers: ClinVar variation 1382079 (VCV001382079.10), dbSNP rs2148135255, ClinGen allele CA338876282.